The following is an entry in ClinVar:

ClinVar aggregate classification (germline): Uncertain significance (1 of 4 stars; one submission).

Conditions:
Autosomal dominant polycystic kidney disease. Identifiers: Orphanet 730, MedGen C0085413, MONDO:0004691.

gnomAD v4.1: 1 of 1,614,100 alleles (0.000062%); highest among the groups gnomAD compares: East Asian, 0.0022%; no homozygotes.

Submission:

Labcorp Genetics (formerly Invitae), Labcorp
Classification: Uncertain significance for Autosomal dominant polycystic kidney disease. Last evaluated: 2025-05-28. Review status: criteria provided, single submitter. Criteria: Invitae Variant Classification Sherloc (09022015). Collection method: clinical testing. Allele origin: germline.
Comment: This sequence change replaces aspartic acid, which is acidic and polar, with glycine, which is neutral and non-polar, at codon 847 of the PKD2 protein (p.Asp847Gly). This variant is present in population databases (rs779008475, gnomAD 0.01%). This variant has not been reported in the literature in individuals affected with PKD2-related conditions. Invitae Evidence Modeling of protein sequence and biophysical properties (such as structural, functional, and spatial information, amino acid conservation, physicochemical variation, residue mobility, and thermodynamic stability) has been performed for this missense variant. However, the output from this modeling did not meet the statistical confidence thresholds required to predict the impact of this variant on PKD2 protein function. In summary, the available evidence is currently insufficient to determine the role of this variant in disease. Therefore, it has been classified as a Variant of Uncertain Significance.

NM_000297.4(PKD2):c.2540A>G (p.Asp847Gly)

Gene: PKD2 (polycystin 2, transient receptor potential cation channel; plus strand). Cytogenetic location: 4q22.1.
Variant type: single nucleotide variant.
Coding change: c.2540A>G on transcript NM_000297.4 (MANE Select); coding-DNA position 2540, A replaced by G.
Protein change: p.Asp847Gly; replaces aspartic acid 847 with glycine.
Molecular consequence: missense variant. On other transcripts: non-coding transcript variant (1).
Genome position (GRCh38, 1-based): chr4:88,074,829, A>G. VCF-style: chr4-88074829-A-G. GRCh37 (hg19) VCF-style: chr4-88995981-A-G.
Other names: c.2315A>G, p.Asp772Gly (NM_001440544.1); short protein forms D772G, D847G.
Identifiers: ClinVar variation 4708162 (VCV004708162.1).